The following is an entry in ClinVar:

ClinVar aggregate classification (germline): Uncertain significance. Review status: criteria provided, multiple submitters, no conflicts (2 of 4 stars). 2 submissions from 2 submitters: Uncertain significance (2). Last evaluated 2024-05-22.

Conditions:
Developmental and epileptic encephalopathy, 33 (DEE33). Also called: Epileptic encephalopathy, early infantile, 33. Identifiers: Orphanet 442835, MedGen C4225337, MONDO:0014625, OMIM 616409.

Submissions (2):

GeneDx
Classification: Uncertain significance. Last evaluated: 2024-05-22. Review status: criteria provided, single submitter. Criteria: GeneDx Variant Classification Process June 2021. Collection method: clinical testing. Allele origin: germline. Affected: yes.
Comment: Not observed at significant frequency in large population cohorts (gnomAD); In silico analysis supports that this missense variant has a deleterious effect on protein structure/function; Has not been previously published as pathogenic or benign to our knowledge

Labcorp Genetics (formerly Invitae), Labcorp
Classification: Uncertain significance for Developmental and epileptic encephalopathy, 33. Last evaluated: 2021-06-07. Review status: criteria provided, single submitter. Criteria: Invitae Variant Classification Sherloc (09022015). Collection method: clinical testing. Allele origin: germline.
Comment: This sequence change replaces glycine with serine at codon 309 of the EEF1A2 protein (p.Gly309Ser). The glycine residue is highly conserved and there is a small physicochemical difference between glycine and serine. This variant is not present in population databases (ExAC no frequency). This variant has not been reported in the literature in individuals with EEF1A2-related conditions. Advanced modeling of protein sequence and biophysical properties (such as structural, functional, and spatial information, amino acid conservation, physicochemical variation, residue mobility, and thermodynamic stability) performed at Invitae indicates that this missense variant is expected to disrupt EEF1A2 protein function. In summary, the available evidence is currently insufficient to determine the role of this variant in disease. Therefore, it has been classified as a Variant of Uncertain Significance.

NM_001958.5(EEF1A2):c.925G>A (p.Gly309Ser)

Gene: EEF1A2 (eukaryotic translation elongation factor 1 alpha 2; minus strand). Cytogenetic location: 20q13.33.
Variant type: single nucleotide variant.
Coding change: c.925G>A on transcript NM_001958.5 (MANE Select); coding-DNA position 925, G replaced by A.
Protein change: p.Gly309Ser; replaces glycine 309 with serine.
Molecular consequence: missense variant.
Genome position (GRCh38, 1-based): chr20:63,490,583, C>T on the plus strand (G>A on the coding strand, the complement: EEF1A2 is on the minus strand). VCF-style: chr20-63490583-C-T. GRCh37 (hg19) VCF-style: chr20-62121936-C-T.
Other names: short protein forms G309S.
Identifiers: ClinVar variation 1470237 (VCV001470237.11), dbSNP rs921196267, ClinGen allele CA409647551.